The following is an entry in ClinVar:

ClinVar aggregate classification (germline): Uncertain significance (1 of 4 stars; one submission).

Conditions:
Alagille syndrome due to a JAG1 point mutation. Also called: Alagille Syndrome 1; HEPATIC DUCTULAR HYPOPLASIA, SYNDROMATIC; JAG1-Related Alagille Syndrome. Identifiers: Orphanet 261619, Orphanet 52, MedGen C1956125, MONDO:0016862, OMIM 118450.

Allele frequency attached by ClinVar (database versions not stated): TOPMed below 0.00001; gnomAD 0.00001.

Submission:

Labcorp Genetics (formerly Invitae), Labcorp
Classification: Uncertain significance for Alagille syndrome due to a JAG1 point mutation. Last evaluated: 2022-06-29. Review status: criteria provided, single submitter. Criteria: Invitae Variant Classification Sherloc (09022015). Collection method: clinical testing. Allele origin: germline.
Comment: In summary, the available evidence is currently insufficient to determine the role of this variant in disease. Therefore, it has been classified as a Variant of Uncertain Significance. Advanced modeling of protein sequence and biophysical properties (such as structural, functional, and spatial information, amino acid conservation, physicochemical variation, residue mobility, and thermodynamic stability) performed at Invitae indicates that this missense variant is not expected to disrupt JAG1 protein function. This variant has not been reported in the literature in individuals affected with JAG1-related conditions. This variant is not present in population databases (gnomAD no frequency). This sequence change replaces serine, which is neutral and polar, with glycine, which is neutral and non-polar, at codon 433 of the JAG1 protein (p.Ser433Gly).

NM_000214.3(JAG1):c.1297A>G (p.Ser433Gly)

Gene: JAG1 (jagged canonical Notch ligand 1; minus strand). Cytogenetic location: 20p12.2.
Variant type: single nucleotide variant.
Coding change: c.1297A>G on transcript NM_000214.3 (MANE Select); coding-DNA position 1297, A replaced by G.
Protein change: p.Ser433Gly; replaces serine 433 with glycine.
Molecular consequence: missense variant.
Genome position (GRCh38, 1-based): chr20:10,649,573, T>C on the plus strand (A>G on the coding strand, the complement: JAG1 is on the minus strand). VCF-style: chr20-10649573-T-C. GRCh37 (hg19) VCF-style: chr20-10630221-T-C.
Other names: short protein forms S433G.
Identifiers: ClinVar variation 2012310 (VCV002012310.4), dbSNP rs1459652772, ClinGen allele CA408238203.
Genomic context (GRCh38, chr20:10,649,573, plus strand): 5'-GTCACTCACTTATGTCACAATTCTGACCCATCCAGCCGGGAAGACAGTCGCAGTAGTAGC[T>C]GGCAATGAGATTCTTACAGGATTTGGCGTTTACACAAGGTTTGGCCTCACATTCATTTGC-3'
Protein context (NP_000205.1, residues 423-443): NAKSCKNLIA[Ser433Gly]YYCDCLPGWM